The following is an entry in ClinVar:

NM_000497.4(CYP11B1):c.235T>A (p.Phe79Ile)

Gene: CYP11B1 (cytochrome P450 family 11 subfamily B member 1; minus strand). Cytogenetic location: 8q24.3.
Variant type: single nucleotide variant.
Coding change: c.235T>A on transcript NM_000497.4 (MANE Select); coding-DNA position 235, T replaced by A.
Protein change: p.Phe79Ile; replaces phenylalanine 79 with isoleucine.
Molecular consequence: missense variant.
Genome position (GRCh38, 1-based): chr8:142,879,579, A>T on the plus strand (T>A on the coding strand, the complement: CYP11B1 is on the minus strand). VCF-style: chr8-142879579-A-T. GRCh37 (hg19) VCF-style: chr8-143960995-A-T.
Other names: c.235T>A, p.Phe79Ile (NM_001026213.1); short protein forms F79I.
Identifiers: ClinVar variation 550599 (VCV000550599.6), dbSNP rs1489638195, ClinGen allele CA372397068.

ClinVar aggregate classification (germline): Conflicting classifications of pathogenicity. Review status: criteria provided, conflicting classifications (1 of 4 stars). 5 submissions from 5 submitters: Pathogenic (1); Likely pathogenic (2); Uncertain significance (1). 1 of the submissions does not count toward it. Last evaluated 2026-01-28.

Conditions:
Differences in sex development.
Deficiency of steroid 11-beta-monooxygenase (CYP11B1). Also called: Congenital adrenal hyperplasia due to 11-beta-hydroxylase deficiency; 11-BETA-HYDROXYLASE DEFICIENCY; ADRENAL HYPERPLASIA, CONGENITAL, DUE TO STEROID 11-BETA-HYDROXYLASE DEFICIENCY; ADRENAL HYPERPLASIA IV; P450C11B1 DEFICIENCY; STEROID 11-BETA-HYDROXYLASE DEFICIENCY. Identifiers: Orphanet 90795, MedGen C0268292, MONDO:0008729, OMIM 202010. Disease mechanism: loss of function.
Congenital adrenal hyperplasia. Identifiers: Orphanet 418, MedGen C0001627, MONDO:0018479, HP:0008258.

Allele frequency attached by ClinVar (database versions not stated): gnomAD exomes below 0.00001 and 0.00001; TOPMed below 0.00001; gnomAD 0.00001.

Submissions (5):

Myriad Genetics, Inc.
Classification: Uncertain significance for Deficiency of steroid 11-beta-monooxygenase. Last evaluated: 2026-01-28. Review status: criteria provided, single submitter. Criteria: Myriad Autosomal Dominant, Autosomal Recessive and X-Linked Classification Criteria (2023). Collection method: clinical testing. Allele origin: unknown.
Comment: NM_000497.3(CYP11B1):c.235T>A(F79I) is a missense variant classified as a variant of uncertain significance in the context of congenital adrenal hyperplasia, CYP11B1-related. F79I has been observed in cases with relevant disease (PMID: 23940125, Poster_Thisted_2008). Relevant functional assessments of this variant are available in the literature (PMID: 23940125). F79I has been observed in referenced population frequency databases. In summary, there is insufficient evidence to classify NM_000497.3(CYP11B1):c.235T>A(F79I) as pathogenic or benign. Please note: this variant was assessed in the context of healthy population screening.

NHS Central & South Genomic Laboratory Hub
Classification: Pathogenic for Differences in sex development. Last evaluated: 2025-10-21. Review status: criteria provided, single submitter. Criteria: ACMG Guidelines, 2015. Collection method: clinical testing. Allele origin: germline. Affected: yes.

Baylor Genetics
Classification: Likely pathogenic for Deficiency of steroid 11-beta-monooxygenase. Last evaluated: 2023-04-11. Review status: criteria provided, single submitter. Criteria: ACMG Guidelines, 2015. Collection method: clinical testing. Allele origin: unknown.

Women's Health and Genetics/Laboratory Corporation of America, LabCorp
Classification: Likely pathogenic for Congenital adrenal hyperplasia. Last evaluated: 2022-06-14. Review status: criteria provided, single submitter. Criteria: LabCorp Variant Classification Summary - May 2015. Collection method: clinical testing. Allele origin: germline.
Comment: Variant summary: CYP11B1 c.235T>A (p.Phe79Ile) results in a non-conservative amino acid change in the encoded protein sequence. Five of five in-silico tools predict a damaging effect of the variant on protein function. The variant allele was found at a frequency of 4e-06 in 250986 control chromosomes (gnomAD). c.235T>A has been reported in the literature in at least one individual affected with Steroid 11 -hydroxylase (CYP11B1) deficiency (Reisch_2013). These data indicate that the variant is very likely to be associated with disease. At least one functional study reports experimental evidence evaluating an impact on protein function and this variant effect results in less than 10% of normal activity in transfected cells (Reisch_2013). One ClinVar submitter (evaluation after 2014) cites the variant as uncertain significance. Based on the evidence outlined above, the variant was classified as likely pathogenic.

Counsyl
Classification: Uncertain significance for Deficiency of steroid 11-beta-monooxygenase. Last evaluated: 2017-02-03. Review status: no assertion criteria provided. Collection method: clinical testing. Allele origin: unknown. Not counted in ClinVar's aggregate classification.

Literature cited by the submitters: PubMed 23940125 (cited by 3 submitters); PubMed 26053152 (cited by Women's Health and Genetics/Laboratory Corporation of America, LabCorp); PubMed 32203225 (cited by Women's Health and Genetics/Laboratory Corporation of America, LabCorp); PubMed 33275286 (cited by Women's Health and Genetics/Laboratory Corporation of America, LabCorp); PubMed 30223866 (cited by Women's Health and Genetics/Laboratory Corporation of America, LabCorp).